The following is an entry in ClinVar:

ClinVar aggregate classification (germline): Conflicting classifications of pathogenicity. Review status: criteria provided, conflicting classifications (1 of 4 stars). 19 submissions from 19 submitters: Pathogenic (7); Likely pathogenic (10); Uncertain significance (2). Last evaluated 2026-09-23.

Conditions:
Albinism or congenital nystagmus.
Pigmentary skin disorders.
OCA2-related disorder. Also called: OCA2-related condition.
Inborn genetic diseases. Identifiers: MedGen C0950123, MeSH D030342.
Oculocutaneous albinism. Identifiers: Orphanet 55, MedGen C0078918, MONDO:0018910.
Tyrosinase-positive oculocutaneous albinism (OCA2). Also called: ALBINISM II; Oculocutaneous albinism type 2; Albinism, oculocutaneous, type II. Identifiers: Orphanet 79432, MedGen C0268495, MONDO:0008746, OMIM 203200.
SKIN/HAIR/EYE PIGMENTATION 1, BLUE/NONBLUE EYES (SHEP1). Also called: BROWN EYE COLOR 2; SKIN/HAIR/EYE PIGMENTATION 1, BLOND/BROWN HAIR; SKIN/HAIR/EYE PIGMENTATION 1, BLUE/BROWN EYES; EYE COLOR 3; EYE COLOR, BLUE/NONBLUE; EYE COLOR, BROWN/BLUE. Identifiers: MedGen C1856895, OMIM 227220.

Allele frequency attached by ClinVar (database versions not stated): gnomAD exomes 0.00022 and 0.00006; 1000 Genomes Project 0.00080; ExAC 0.00031; TOPMed 0.00109; gnomAD 0.00078 and 0.00086.
gnomAD v4.1: 213 of 1,613,980 alleles (0.013%); highest among the groups gnomAD compares: African/African-American, 0.27%; 1 homozygote.

Submissions 1 to 11 of 19:

Genetics Laboratory, Great Ormond Street Hospital NHS Foundation Trust, North Thames Genomic Laboratory Hub
Classification: Pathogenic for Pigmentary skin disorders. Last evaluated: 2026-09-23. Review status: criteria provided, single submitter. Criteria: ACGS Best Practice Guidelines for Variant Classification in Rare Disease 2024 v1.2. Collection method: clinical testing. Allele origin: germline. Affected: yes.
Comment: PM2_moderate, PP3_supporting, PM3_very-strong

PreventionGenetics, part of Exact Sciences
Classification: Pathogenic for OCA2-related condition. Last evaluated: 2026-06-25. Review status: criteria provided, single submitter. Criteria: ACMG Guidelines, 2015. Collection method: clinical testing. Allele origin: germline.
Comment: The OCA2 c.1103C>T variant is predicted to result in the amino acid substitution p.Ala368Val. This variant has been reported in individuals with oculocutaneous albinism (Oetting et al. 1998. PubMed ID: 10671067; Gao et al. 2017. PubMed ID: 28451379; Michaud et al. 2023. PubMed ID: 37650133). Here, at PreventionGenetics, we have observed this variant along with a pathogenic or a likely pathogenic variant in at least five unrelated individuals with oculocutaneous albinism (internal data). This variant is present in 0.28% of alleles in individuals of African descent in gnomAD, indicating it is relatively common within this population. Given all the evidence, we interpret this variant as pathogenic.

Labcorp Genetics (formerly Invitae), Labcorp
Classification: Pathogenic. Last evaluated: 2026-01-26. Review status: criteria provided, single submitter. Criteria: Invitae Variant Classification Sherloc (09022015). Collection method: clinical testing. Allele origin: germline.
Comment: This sequence change replaces alanine, which is neutral and non-polar, with valine, which is neutral and non-polar, at codon 368 of the OCA2 protein (p.Ala368Val). This variant is present in population databases (rs61745150, gnomAD 0.3%). This missense change has been observed in individual(s) with ocular albinism (PMID: 28451379; internal data). In at least one individual the data is consistent with being in trans (on the opposite chromosome) from a pathogenic variant. ClinVar contains an entry for this variant (Variation ID: 193574). Invitae Evidence Modeling of protein sequence and biophysical properties (such as structural, functional, and spatial information, amino acid conservation, physicochemical variation, residue mobility, and thermodynamic stability) has been performed for this missense variant. However, the output from this modeling did not meet the statistical confidence thresholds required to predict the impact of this variant on OCA2 protein function. For these reasons, this variant has been classified as Pathogenic.

Variantyx, Inc.
Classification: Likely pathogenic for Tyrosinase-positive oculocutaneous albinism. Last evaluated: 2026-01-07. Review status: criteria provided, single submitter. Criteria: Variantyx Assertion Criteria 2022. Collection method: clinical testing. Allele origin: germline. Inheritance: Autosomal recessive inheritance. Affected: no.
Comment: This is a nonsynonymous variant in the OCA2 gene (OMIM: 611409). Pathogenic variants in this gene have been associated with autosomal recessive oculocutaneous albinism type II. This variant has been identified in the homozygous or compound heterozygous state in at least 5 individuals reported in the published literature (PMID: 32830442, 37650133, 28451379, 38219857) (PM3_Strong). Multiple computational algorithms predict a deleterious effect for this variant (REVEL score: 0.8) (PP3), and the alteration lies within a known hotspot for pathogenic variants or a well-established critical functional domain of the OCA2 protein (PMID: 28266639, 27734839, 34838614, 31199599) (PM1). This variant has a 0.2665% maximum allele frequency in non-founder control populations. Based on the current evidence, this variant is classified as likely pathogenic for autosomal recessive oculocutaneous albinism type II.

Genetic Services Laboratory, University of Chicago
Classification: Likely pathogenic. Last evaluated: 2025-10-10. Review status: criteria provided, single submitter. Criteria: ACMG Guidelines, 2015. Collection method: clinical testing. Allele origin: germline.
Comment: The c.1103C>T variant: Results in an amino acid change, p.Ala368Val. Affects a highly conserved amino acid residue located in a domain of the OCA2 protein that is known to be functional. Appears to be deleterious using several in-silico pathogenicity prediction tools. Has been previously described in individuals with ocular albinism in homozygous state and in conjunction with another variant in the same gene (PMID: 28451379, 32830442, 26474496, 37650133). Is reported in the gnomAD v4 database with a frequency of 0.26%in the African/African American subpopulation (dbSNP rs61745150). ClinVar contains an entry for this variant (Variation ID:193574). Collectively, this evidence indicates that this variant is likely pathogenic, however functional studies have not been performed to prove this conclusively.

NHS Central & South Genomic Laboratory Hub
Classification: Likely pathogenic for Albinism or congenital nystagmus. Last evaluated: 2025-09-25. Review status: criteria provided, single submitter. Criteria: ACMG Guidelines, 2015. Collection method: clinical testing. Allele origin: germline. Affected: yes.

Women's Health and Genetics/Laboratory Corporation of America, LabCorp
Classification: Pathogenic for Oculocutaneous albinism. Last evaluated: 2025-04-10. Review status: criteria provided, single submitter. Criteria: LabCorp Variant Classification Summary - May 2015. Collection method: clinical testing. Allele origin: germline.
Comment: Variant summary: OCA2 c.1103C>T (p.Ala368Val) results in a non-conservative amino acid change located in the Citrate transporter-like domain (IPR004680) of the encoded protein sequence. Five of five in-silico tools predict a damaging effect of the variant on protein function. The variant allele was found at a frequency of 0.00022 in 251112 control chromosomes. This frequency is not significantly higher than estimated for a pathogenic variant in OCA2 causing Oculocutaneous Albinism (0.00022 vs 0.0043), allowing no conclusion about variant significance. c.1103C>T has been observed in multiple compound heterozygous and homozygous individuals affected with Oculocutaneous Albinism (example: Jackson_2020, Gao_2017, Wolfson_2016, Oetting_1998, Michaud_2024). These data indicate that the variant is associated with disease. To our knowledge, no experimental evidence demonstrating an impact on protein function has been reported. The following publications have been ascertained in the context of this evaluation (PMID: 32830442, 28451379, 37650133, 10671067, 26474496). ClinVar contains an entry for this variant (Variation ID: 193574). Based on the evidence outlined above, the variant was classified as pathogenic.

GeneDx
Classification: Pathogenic. Last evaluated: 2024-09-26. Review status: criteria provided, single submitter. Criteria: GeneDx Variant Classification Process June 2021. Collection method: clinical testing. Allele origin: germline. Affected: yes.
Comment: Reported previously in association with oculocutaneous albinism in published literature, either as a single heterozygous variant or phase unknown with a second variant (PMID: 26474496, 28451379, 32830442); In silico analysis supports that this missense variant has a deleterious effect on protein structure/function; This variant is associated with the following publications: (PMID: 10671067, 32830442, 23824587, 28451379, 26474496, 37882226, 37650133, 38219857)

Ambry Genetics
Classification: Likely pathogenic for Inborn genetic diseases. Last evaluated: 2024-09-23. Review status: criteria provided, single submitter. Criteria: Ambry Variant Classification Scheme 2023. Collection method: clinical testing. Allele origin: germline.
Comment: The c.1103C>T (p.A368V) alteration is located in exon 10 (coding exon 9) of the OCA2 gene. This alteration results from a C to T substitution at nucleotide position 1103, causing the alanine (A) at amino acid position 368 to be replaced by a valine (V). Based on data from gnomAD, the T allele has an overall frequency of 0.026% (73/282508) total alleles studied. The highest observed frequency was 0.281% (70/24946) of African alleles. This variant has been identified in the homozygous state and/or in conjunction with other OCA2 variants in individuals with features consistent with OCA2-related oculocutaneous albinism; in at least one instance, the variants were identified in trans (Ambry internal data; Gao, 2017; Michaud, 2023). This amino acid position is well conserved in available vertebrate species. This alteration is predicted to be deleterious by in silico analysis. Based on the available evidence, this alteration is classified as likely pathogenic.

Revvity Omics, Revvity
Classification: Likely pathogenic. Last evaluated: 2024-09-13. Review status: criteria provided, single submitter. Criteria: ACMG Guidelines, 2015. Collection method: clinical testing. Allele origin: germline.

Fulgent Genetics
Classification: Likely pathogenic for Tyrosinase-positive oculocutaneous albinism; SKIN/HAIR/EYE PIGMENTATION 1, BLUE/NONBLUE EYES. Last evaluated: 2024-05-22. Review status: criteria provided, single submitter. Criteria: ACMG Guidelines, 2015. Collection method: clinical testing. Allele origin: germline.

NM_000275.3(OCA2):c.1103C>T (p.Ala368Val)

Gene: OCA2 (OCA2 melanosomal transmembrane protein; minus strand). Cytogenetic location: 15q13.1.
Variant type: single nucleotide variant.
Coding change: c.1103C>T on transcript NM_000275.3 (MANE Select); coding-DNA position 1103, C replaced by T.
Protein change: p.Ala368Val; replaces alanine 368 with valine.
Molecular consequence: missense variant. On other transcripts: intron variant (1).
Genome position (GRCh38, 1-based): chr15:27,990,589, G>A on the plus strand (C>T on the coding strand, the complement: OCA2 is on the minus strand). VCF-style: chr15-27990589-G-A. GRCh37 (hg19) VCF-style: chr15-28235735-G-A.
Other names: c.1045-923C>T (NM_001300984.2); short protein forms A368V.
Identifiers: ClinVar variation 193574 (VCV000193574.79), dbSNP rs61745150, ClinGen allele CA239106.